The following is an entry in ClinVar:

NM_001379451.1(BCORL1):c.622C>T (p.Pro208Ser)

Gene: BCORL1 (BCL6 corepressor like 1; plus strand). Cytogenetic location: Xq26.1.
Variant type: single nucleotide variant.
Coding change: c.622C>T on transcript NM_001379451.1 (MANE Select); coding-DNA position 622, C replaced by T.
Protein change: p.Pro208Ser; replaces proline 208 with serine.
Molecular consequence: missense variant.
Genome position (GRCh38, 1-based): chrX:130,013,394, C>T. VCF-style: chrX-130013394-C-T. GRCh37 (hg19) VCF-style: chrX-129147370-C-T.
Other names: c.622C>T, p.Pro208Ser (NM_001184772.3, NM_001379450.1, NM_021946.5); short protein forms P208S.
Identifiers: ClinVar variation 3900817 (VCV003900817.1).

ClinVar aggregate classification (germline): Uncertain significance (1 of 4 stars; one submission).

Submission:

GeneDx
Classification: Uncertain significance. Last evaluated: 2024-11-26. Review status: criteria provided, single submitter. Criteria: GeneDx Variant Classification Process June 2021. Collection method: clinical testing. Allele origin: germline. Affected: yes.
Comment: Not observed at significant frequency in large population cohorts (gnomAD); In silico analysis indicates that this missense variant does not alter protein structure/function; Has not been previously published as pathogenic or benign to our knowledge